The following is an entry in ClinVar:

ClinVar aggregate classification (germline): Uncertain significance (1 of 4 stars; one submission).

Conditions:
Cardiovascular phenotype. Identifiers: MedGen CN230736.

gnomAD v4.1: 2 of 1,614,060 alleles (0.00012%); highest among the groups gnomAD compares: Non-Finnish European, 0.00017%; no homozygotes.

Submission:

Ambry Genetics
Classification: Uncertain significance for Cardiovascular phenotype. Last evaluated: 2025-02-06. Review status: criteria provided, single submitter. Criteria: Ambry Variant Classification Scheme 2023. Collection method: clinical testing. Allele origin: germline.
Comment: The p.E1138G variant (also known as c.3413A>G), located in coding exon 9 of the AKAP9 gene, results from an A to G substitution at nucleotide position 3413. The glutamic acid at codon 1138 is replaced by glycine, an amino acid with similar properties. This amino acid position is conserved. In addition, this alteration is predicted to be tolerated by in silico analysis. Based on the available evidence, the clinical significance of this variant remains unclear.

NM_005751.5(AKAP9):c.3413A>G (p.Glu1138Gly)

Gene: AKAP9 (A-kinase anchoring protein 9; plus strand). Cytogenetic location: 7q21.2.
Variant type: single nucleotide variant.
Coding change: c.3413A>G on transcript NM_005751.5 (MANE Select); coding-DNA position 3413, A replaced by G.
Protein change: p.Glu1138Gly; replaces glutamic acid 1138 with glycine.
Molecular consequence: missense variant.
Genome position (GRCh38, 1-based): chr7:92,012,523, A>G. VCF-style: chr7-92012523-A-G. GRCh37 (hg19) VCF-style: chr7-91641837-A-G.
Other names: c.3413A>G, p.Glu1138Gly (NM_147185.3); short protein forms E1138G.
Identifiers: ClinVar variation 3849623 (VCV003849623.1).
Genomic context (GRCh38, chr7:92,012,523, plus strand): 5'-TTTGCCTCTCTCTGGTTTATTCAACTCATGTGGATCAGGTTCGTGAATATATGGAAAATG[A>G]AAAAGATAAAGCTCTTTGCAGTCTTAAAGAAGAGCTTATTTTTGCTCAAGAGGAAAAGAT-3'
Protein context (NP_005742.4, residues 1128-1148): VDQVREYMEN[Glu1138Gly]KDKALCSLKE